The following is an entry in ClinVar:

ClinVar aggregate classification (germline): Conflicting classifications of pathogenicity. Review status: criteria provided, conflicting classifications (1 of 4 stars). 2 submissions from 2 submitters: Likely pathogenic (1); Uncertain significance (1). Last evaluated 2026-05-06.

Conditions:
Mitochondrial trifunctional protein deficiency. Identifiers: Orphanet 746, MedGen C1969443, MONDO:0012172.

Allele frequency attached by ClinVar (database versions not stated): gnomAD exomes below 0.00001.
gnomAD v4.1: 1 of 1,614,154 alleles (0.000062%); highest among the groups gnomAD compares: Non-Finnish European, 0.000085%; no homozygotes.

Submissions (2):

Women's Health and Genetics/Laboratory Corporation of America, LabCorp
Classification: Uncertain significance. Last evaluated: 2026-05-06. Review status: criteria provided, single submitter. Criteria: LabCorp Variant Classification Summary - May 2015. Collection method: clinical testing. Allele origin: germline.
Comment: Variant summary: HADHB c.490G>A (p.Gly164Ser) results in a non-conservative amino acid change in the encoded protein sequence. Algorithms developed to predict the effect of missense changes on protein structure and function all suggest that this variant is likely to be disruptive. The frequency data for this variant in gnomAD is considered unreliable, as metrics indicate poor data quality at this position. c.490G>A has been observed in individual(s) affected with Mitochondrial Trifunctional Protein Deficiency (Guan_2021). These data do not allow any conclusion about variant significance. To our knowledge, no experimental evidence demonstrating an impact on protein function has been reported. The following publication has been ascertained in the context of this evaluation (PMID: 34712195). ClinVar contains an entry for this variant (Variation ID: 2675996). Based on the evidence outlined above, the variant was classified as uncertain significance.

Baylor Genetics
Classification: Likely pathogenic for Mitochondrial trifunctional protein deficiency 1. Last evaluated: 2023-01-16. Review status: criteria provided, single submitter. Criteria: ACMG Guidelines, 2015. Collection method: clinical testing. Allele origin: unknown.

Literature cited by the submitters: PubMed 34712195 (cited by Women's Health and Genetics/Laboratory Corporation of America, LabCorp).

NM_000183.3(HADHB):c.490G>A (p.Gly164Ser)

Gene: HADHB (hydroxyacyl-CoA dehydrogenase trifunctional multienzyme complex subunit beta; plus strand). Cytogenetic location: 2p23.3.
Variant type: single nucleotide variant.
Coding change: c.490G>A on transcript NM_000183.3 (MANE Select); coding-DNA position 490, G replaced by A.
Protein change: p.Gly164Ser; replaces glycine 164 with serine.
Molecular consequence: missense variant.
Genome position (GRCh38, 1-based): chr2:26,278,661, G>A. VCF-style: chr2-26278661-G-A. GRCh37 (hg19) VCF-style: chr2-26501529-G-A.
Other names: c.445G>A, p.Gly149Ser (NM_001281512.2); c.424G>A, p.Gly142Ser (NM_001281513.2); short protein forms G142S, G149S, G164S.
Identifiers: ClinVar variation 2675996 (VCV002675996.2), dbSNP rs1672655257, ClinGen allele CA346092304.